The following is an entry in ClinVar:

NM_000540.3(RYR1):c.10153G>T (p.Ala3385Ser)

Gene: RYR1 (ryanodine receptor 1; plus strand). Cytogenetic location: 19q13.2.
Variant type: single nucleotide variant.
Coding change: c.10153G>T on transcript NM_000540.3 (MANE Select); coding-DNA position 10153, G replaced by T.
Protein change: p.Ala3385Ser; replaces alanine 3385 with serine.
Molecular consequence: missense variant.
Genome position (GRCh38, 1-based): chr19:38,519,348, G>T. VCF-style: chr19-38519348-G-T. GRCh37 (hg19) VCF-style: chr19-39009988-G-T.
Other names: c.10153G>T, p.Ala3385Ser (NM_001042723.2); short protein forms A3385S.
Identifiers: ClinVar variation 590359 (VCV000590359.5), dbSNP rs966978611, ClinGen allele CA308131242.

ClinVar aggregate classification (germline): Uncertain significance. Review status: criteria provided, multiple submitters, no conflicts (2 of 4 stars). 3 submissions from 3 submitters: Uncertain significance (3). Last evaluated 2025-10-06.

Conditions:
RYR1-related disorder. Also called: RYR1-related disorders; RYR1-related condition. Identifiers: MedGen CN239331.

Allele frequency attached by ClinVar (database versions not stated): gnomAD exomes below 0.00001; TOPMed below 0.00001.
gnomAD v4.1: 1 of 1,612,650 alleles (0.000062%); highest among the groups gnomAD compares: East Asian, 0.0022%; no homozygotes.

Submissions (3):

Women's Health and Genetics/Laboratory Corporation of America, LabCorp
Classification: Uncertain significance. Last evaluated: 2025-10-06. Review status: criteria provided, single submitter. Criteria: LabCorp Variant Classification Summary - May 2015. Collection method: clinical testing. Allele origin: germline.
Comment: Variant summary: RYR1 c.10153G>T (p.Ala3385Ser) results in a conservative amino acid change in the encoded protein sequence. Algorithms developed to predict the effect of missense changes on protein structure and function all suggest that this variant is likely to be tolerated. The variant was absent in 244768 control chromosomes. The available data on variant occurrences in the general population are insufficient to allow any conclusion about variant significance. To our knowledge, no occurrence of c.10153G>T in individuals affected with RYR1-related conditions and no experimental evidence demonstrating its impact on protein function have been reported. ClinVar contains an entry for this variant (Variation ID: 590359). Based on the evidence outlined above, the variant was classified as uncertain significance.

Labcorp Genetics (formerly Invitae), Labcorp
Classification: Uncertain significance for RYR1-related disorder. Last evaluated: 2024-10-23. Review status: criteria provided, single submitter. Criteria: Invitae Variant Classification Sherloc (09022015). Collection method: clinical testing. Allele origin: germline.
Comment: This sequence change replaces alanine, which is neutral and non-polar, with serine, which is neutral and polar, at codon 3385 of the RYR1 protein (p.Ala3385Ser). This variant is not present in population databases (gnomAD no frequency). This variant has not been reported in the literature in individuals affected with RYR1-related conditions. ClinVar contains an entry for this variant (Variation ID: 590359). Invitae Evidence Modeling of protein sequence and biophysical properties (such as structural, functional, and spatial information, amino acid conservation, physicochemical variation, residue mobility, and thermodynamic stability) indicates that this missense variant is not expected to disrupt RYR1 protein function with a negative predictive value of 80%. In summary, the available evidence is currently insufficient to determine the role of this variant in disease. Therefore, it has been classified as a Variant of Uncertain Significance.

PreventionGenetics, part of Exact Sciences
Classification: Uncertain significance. Last evaluated: 2016-08-11. Review status: criteria provided, single submitter. Criteria: ACMG Guidelines, 2015. Collection method: clinical testing. Allele origin: germline.